The following is an entry in ClinVar:

ClinVar aggregate classification (germline): Likely benign (1 of 4 stars; one submission).

Submission:

GeneDx
Classification: Likely benign. Last evaluated: 2018-01-08. Review status: criteria provided, single submitter. Criteria: GeneDx Variant Classification (06012015). Collection method: clinical testing. Allele origin: germline. Affected: yes.
Comment: This variant is considered likely benign or benign based on one or more of the following criteria: it is a conservative change, it occurs at a poorly conserved position in the protein, it is predicted to be benign by multiple in silico algorithms, and/or has population frequency not consistent with disease.

NM_001035.3(RYR2):c.-37G>T

Gene: RYR2 (ryanodine receptor 2; plus strand). Cytogenetic location: 1q43.
Variant type: single nucleotide variant.
Coding change: c.-37G>T on transcript NM_001035.3 (MANE Select); 37 bases upstream of the start codon, G replaced by T.
Molecular consequence: 5 prime UTR variant.
Genome position (GRCh38, 1-based): chr1:237,042,485, G>T. VCF-style: chr1-237042485-G-T. GRCh37 (hg19) VCF-style: chr1-237205785-G-T.
Other names: c.-37G>T (LRG_402t1).
Identifiers: ClinVar variation 514469 (VCV000514469.1), dbSNP rs1553268265, ClinGen allele CA658795625.